The following is an entry in ClinVar:

ClinVar aggregate classification (germline): Likely benign. Review status: criteria provided, multiple submitters, no conflicts (2 of 4 stars). 3 submissions from 3 submitters: Likely benign (3). Last evaluated 2025-11-15.

Allele frequency attached by ClinVar (database versions not stated): gnomAD exomes 0.00001 and 0.00003; ExAC 0.00003; gnomAD 0.00003; 1000 Genomes Project 30x 0.00031; 1000 Genomes Project 0.00040.
gnomAD v4.1: 16 of 1,613,124 alleles (0.00099%); highest among the groups gnomAD compares: East Asian, 0.013%; no homozygotes.

Submissions (3):

Labcorp Genetics (formerly Invitae), Labcorp
Classification: Likely benign. Last evaluated: 2025-11-15. Review status: criteria provided, single submitter. Criteria: Invitae Variant Classification Sherloc (09022015). Collection method: clinical testing. Allele origin: germline.

Blueprint Genetics
Classification: Likely benign. Last evaluated: 2024-07-02. Review status: criteria provided, single submitter. Criteria: ACMG Guidelines, 2015. Collection method: clinical testing. Allele origin: germline.

GeneDx
Classification: Likely benign. Last evaluated: 2018-01-11. Review status: criteria provided, single submitter. Criteria: GeneDx Variant Classification (06012015). Collection method: clinical testing. Allele origin: germline. Affected: yes.
Comment: This variant is considered likely benign or benign based on one or more of the following criteria: it is a conservative change, it occurs at a poorly conserved position in the protein, it is predicted to be benign by multiple in silico algorithms, and/or has population frequency not consistent with disease.

NM_001854.4(COL11A1):c.1998+11C>T

Gene: COL11A1 (collagen type XI alpha 1 chain; minus strand). Cytogenetic location: 1p21.1.
Variant type: single nucleotide variant.
Coding change: c.1998+11C>T on transcript NM_001854.4 (MANE Select); 11 bases into the intron after coding-DNA position 1998, C replaced by T.
Molecular consequence: intron variant.
Genome position (GRCh38, 1-based): chr1:103,003,204, G>A on the plus strand (C>T on the coding strand, the complement: COL11A1 is on the minus strand). VCF-style: chr1-103003204-G-A. GRCh37 (hg19) VCF-style: chr1-103468760-G-A.
Other names: c.1881+11C>T (NM_001190709.2); c.2034+11C>T (NM_080629.3); c.1650+11C>T (NM_080630.4).
Identifiers: ClinVar variation 514458 (VCV000514458.10), dbSNP rs375664445, ClinGen allele CA974711.